The following is an entry in ClinVar:

ClinVar aggregate classification (germline): Uncertain significance (1 of 4 stars; one submission).

Allele frequency attached by ClinVar (database versions not stated): gnomAD exomes below 0.00001; ExAC 0.00001.
gnomAD v4.1: 1 of 1,613,846 alleles (0.000062%); highest among the groups gnomAD compares: Admixed American, 0.0017%; no homozygotes.

Submission:

GeneDx
Classification: Uncertain significance. Last evaluated: 2019-11-04. Review status: criteria provided, single submitter. Criteria: GeneDx Variant Classification Process June 2021. Collection method: clinical testing. Allele origin: germline. Affected: yes.
Comment: In silico analysis, which includes protein predictors and evolutionary conservation, supports a deleterious effect; Has not been previously published as pathogenic or benign to our knowledge

NM_030665.4(RAI1):c.974A>G (p.Asp325Gly)

Gene: RAI1 (retinoic acid induced 1; plus strand). Cytogenetic location: 17p11.2.
Variant type: single nucleotide variant.
Coding change: c.974A>G on transcript NM_030665.4 (MANE Select); coding-DNA position 974, A replaced by G.
Protein change: p.Asp325Gly; replaces aspartic acid 325 with glycine.
Molecular consequence: missense variant.
Genome position (GRCh38, 1-based): chr17:17,793,922, A>G. VCF-style: chr17-17793922-A-G. GRCh37 (hg19) VCF-style: chr17-17697236-A-G.
Other names: short protein forms D325G.
Identifiers: ClinVar variation 1304891 (VCV001304891.2), dbSNP rs771793232, ClinGen allele CA8418240.
Genomic context (GRCh38, chr17:17,793,922, plus strand): 5'-ACCAAAACCTCGCCAAGTATCAGCACTACGGGCAGCAAGGCCAGGGCTACTGCCAGCCGG[A>G]CGCAGCCGTCCGGACCCCAGAGCAGTACTACCAGACCTTCAGCCCCAGCTCCAGCCACTC-3'
Protein context (NP_109590.3, residues 315-335): GQQGQGYCQP[Asp325Gly]AAVRTPEQYY